The following is an entry in ClinVar:

NM_006172.4(NPPA):c.176C>T (p.Pro59Leu)

Genes: NPPA (natriuretic peptide A; minus strand), NPPA-AS1 (NPPA antisense RNA 1; plus strand), LOC114827827 (VISTA enhancer hs2123; plus strand). Cytogenetic location: 1p36.22.
Variant type: single nucleotide variant.
Coding change: c.176C>T on transcript NM_006172.4 (MANE Select); coding-DNA position 176, C replaced by T.
Protein change: p.Pro59Leu; replaces proline 59 with leucine.
Molecular consequence: missense variant.
Genome position (GRCh38, 1-based): chr1:11,847,387, G>A on the plus strand (C>T on the coding strand, the complement: NPPA is on the minus strand). VCF-style: chr1-11847387-G-A. GRCh37 (hg19) VCF-style: chr1-11907444-G-A.
Other names: c.176C>T (LRG_751t1); short protein forms P59L.
Identifiers: ClinVar variation 537321 (VCV000537321.12), dbSNP rs759999149, ClinGen allele CA597069.

ClinVar aggregate classification (germline): Uncertain significance. Review status: criteria provided, multiple submitters, no conflicts (2 of 4 stars). 2 submissions from 2 submitters: Uncertain significance (2). Last evaluated 2026-01-26.

Conditions:
Atrial fibrillation, familial, 6 (ATFB6). Identifiers: MedGen C2677294, MONDO:0012816, OMIM 612201.

Allele frequency attached by ClinVar (database versions not stated): gnomAD exomes below 0.00001 and 0.00001; ExAC 0.00001; gnomAD 0.00001; TOPMed 0.00002.

Submissions (2):

Labcorp Genetics (formerly Invitae), Labcorp
Classification: Uncertain significance for Atrial fibrillation, familial, 6. Last evaluated: 2026-01-26. Review status: criteria provided, single submitter. Criteria: Invitae Variant Classification Sherloc (09022015). Collection method: clinical testing. Allele origin: germline.
Comment: This sequence change replaces proline, which is neutral and non-polar, with leucine, which is neutral and non-polar, at codon 59 of the NPPA protein (p.Pro59Leu). This variant is present in population databases (rs759999149, gnomAD 0.01%). This variant has not been reported in the literature in individuals affected with NPPA-related conditions. ClinVar contains an entry for this variant (Variation ID: 537321). An algorithm developed to predict the effect of missense changes on protein structure and function outputs the following: PolyPhen-2: "Benign". The leucine amino acid residue is found in multiple mammalian species, which suggests that this missense change does not adversely affect protein function. In summary, the available evidence is currently insufficient to determine the role of this variant in disease. Therefore, it has been classified as a Variant of Uncertain Significance.

Women's Health and Genetics/Laboratory Corporation of America, LabCorp
Classification: Uncertain significance. Last evaluated: 2025-12-15. Review status: criteria provided, single submitter. Criteria: LabCorp Variant Classification Summary - May 2015. Collection method: clinical testing. Allele origin: germline.